The following is an entry in ClinVar:

ClinVar aggregate classification (germline): Uncertain significance. Review status: criteria provided, multiple submitters, no conflicts (2 of 4 stars). 2 submissions from 2 submitters: Uncertain significance (2). Last evaluated 2024-04-23.

Conditions:
Klippel-Feil anomaly-myopathy-facial dysmorphism syndrome. Also called: Klippel-feil syndrome 4, autosomal recessive, with nemaline myopathy and facial dysmorphism; Klippel-Feil syndrome 4, autosomal recessive, with myopathy and facial dysmorphism. Identifiers: Orphanet 447974, MedGen C4225285, MONDO:0014689, OMIM 616549.

Allele frequency attached by ClinVar (database versions not stated): ExAC 0.00002; gnomAD exomes 0.00006; gnomAD 0.00001; TOPMed 0.00003.

Submissions (2):

Revvity Omics, Revvity
Classification: Uncertain significance for Klippel-Feil anomaly-myopathy-facial dysmorphism syndrome. Last evaluated: 2024-04-23. Review status: criteria provided, single submitter. Criteria: ACMG Guidelines, 2015. Collection method: clinical testing. Allele origin: germline.

Labcorp Genetics (formerly Invitae), Labcorp
Classification: Uncertain significance. Last evaluated: 2022-07-01. Review status: criteria provided, single submitter. Criteria: Invitae Variant Classification Sherloc (09022015). Collection method: clinical testing. Allele origin: germline.
Comment: This sequence change replaces aspartic acid, which is acidic and polar, with glycine, which is neutral and non-polar, at codon 1031 of the MYO18B protein (p.Asp1031Gly). This variant is present in population databases (rs566408951, gnomAD 0.009%). This variant has not been reported in the literature in individuals affected with MYO18B-related conditions. Algorithms developed to predict the effect of missense changes on protein structure and function are either unavailable or do not agree on the potential impact of this missense change (SIFT: "Not Available"; PolyPhen-2: "Benign"; Align-GVGD: "Not Available"). In summary, the available evidence is currently insufficient to determine the role of this variant in disease. Therefore, it has been classified as a Variant of Uncertain Significance.

NM_032608.7(MYO18B):c.3092A>G (p.Asp1031Gly)

Gene: MYO18B (myosin XVIIIB; plus strand). Cytogenetic location: 22q12.1.
Variant type: single nucleotide variant.
Coding change: c.3092A>G on transcript NM_032608.7 (MANE Select); coding-DNA position 3092, A replaced by G.
Protein change: p.Asp1031Gly; replaces aspartic acid 1031 with glycine.
Molecular consequence: missense variant.
Genome position (GRCh38, 1-based): chr22:25,835,327, A>G. VCF-style: chr22-25835327-A-G. GRCh37 (hg19) VCF-style: chr22-26231294-A-G.
Other names: c.3095A>G, p.Asp1032Gly (NM_001318245.2); short protein forms D1031G, D1032G.
Identifiers: ClinVar variation 1908316 (VCV001908316.3), dbSNP rs566408951, ClinGen allele CA10160446.